The following is an entry in ClinVar:

ClinVar aggregate classification (germline): Uncertain significance (1 of 4 stars; one submission).

Conditions:
Inborn genetic diseases. Identifiers: MedGen C0950123, MeSH D030342.

Submission:

Ambry Genetics
Classification: Uncertain significance for Inborn genetic diseases. Last evaluated: 2025-04-12. Review status: criteria provided, single submitter. Criteria: Ambry Variant Classification Scheme 2023. Collection method: clinical testing. Allele origin: germline.
Comment: The p.L230F variant (also known as c.688C>T), located in coding exon 8 of the ASXL1 gene, results from a C to T substitution at nucleotide position 688. The leucine at codon 230 is replaced by phenylalanine, an amino acid with highly similar properties. This amino acid position is conserved. In addition, this alteration is predicted to be tolerated by in silico analysis. Based on the available evidence, the clinical significance of this variant remains unclear.

NM_015338.6(ASXL1):c.688C>T (p.Leu230Phe)

Gene: ASXL1 (ASXL transcriptional regulator 1; plus strand). Cytogenetic location: 20q11.21.
Variant type: single nucleotide variant.
Coding change: c.688C>T on transcript NM_015338.6 (MANE Select); coding-DNA position 688, C replaced by T.
Protein change: p.Leu230Phe; replaces leucine 230 with phenylalanine.
Molecular consequence: missense variant. On other transcripts: intron variant (1).
Genome position (GRCh38, 1-based): chr20:32,430,023, C>T. VCF-style: chr20-32430023-C-T. GRCh37 (hg19) VCF-style: chr20-31017826-C-T.
Other names: c.535+592C>T (NM_001363734.1); short protein forms L230F.
Identifiers: ClinVar variation 3956084 (VCV003956084.1).